The following is an entry in ClinVar:

NM_001283009.2(RTEL1):c.1744A>G (p.Met582Val)

Genes: RTEL1 (regulator of telomere elongation helicase 1; plus strand), RTEL1-TNFRSF6B (RTEL1-TNFRSF6B readthrough (NMD candidate); plus strand). Cytogenetic location: 20q13.33.
Variant type: single nucleotide variant.
Coding change: c.1744A>G on transcript NM_001283009.2 (MANE Select); coding-DNA position 1744, A replaced by G.
Protein change: p.Met582Val; replaces methionine 582 with valine.
Molecular consequence: missense variant. On other transcripts: non-coding transcript variant (1).
Genome position (GRCh38, 1-based): chr20:63,688,549, A>G. VCF-style: chr20-63688549-A-G. GRCh37 (hg19) VCF-style: chr20-62319902-A-G.
Other names: c.1075A>G, p.Met359Val (NM_001283010.1); c.1744A>G, p.Met582Val (NM_016434.4); c.1816A>G, p.Met606Val (NM_032957.5); short protein forms M359V, M582V, M606V.
Identifiers: ClinVar variation 2199700 (VCV002199700.5), dbSNP rs745349945, ClinGen allele CA9964964.

ClinVar aggregate classification (germline): Uncertain significance. Review status: criteria provided, multiple submitters, no conflicts (2 of 4 stars). 2 submissions from 2 submitters: Uncertain significance (2). Last evaluated 2025-08-13.

Conditions:
Inborn genetic diseases. Identifiers: MedGen C0950123, MeSH D030342.
Pulmonary fibrosis and/or bone marrow failure, Telomere-related, 3. Also called: PULMONARY FIBROSIS AND/OR BONE MARROW FAILURE SYNDROME, TELOMERE-RELATED, 3. Identifiers: Orphanet 2032, MedGen C4225346, MONDO:0014613, OMIM 616373.
Dyskeratosis congenita, autosomal recessive 5 (DKCB5). Identifiers: MedGen C3554656, MONDO:0014076, OMIM 615190.

Allele frequency attached by ClinVar (database versions not stated): TOPMed 0.00001; ExAC 0.00001; gnomAD exomes below 0.00001.
gnomAD v4.1: 1 of 1,610,854 alleles (0.000062%); highest among the groups gnomAD compares: Non-Finnish European, 0.000085%; no homozygotes.

Submissions (2):

Labcorp Genetics (formerly Invitae), Labcorp
Classification: Uncertain significance for Dyskeratosis congenita, autosomal recessive 5; Pulmonary fibrosis and/or bone marrow failure, Telomere-related, 3. Last evaluated: 2025-08-13. Review status: criteria provided, single submitter. Criteria: Invitae Variant Classification Sherloc (09022015). Collection method: clinical testing. Allele origin: germline.
Comment: This sequence change replaces methionine, which is neutral and non-polar, with valine, which is neutral and non-polar, at codon 582 of the RTEL1 protein (p.Met582Val). This variant is present in population databases (rs745349945, gnomAD 0.0009%). This variant has not been reported in the literature in individuals affected with RTEL1-related conditions. ClinVar contains an entry for this variant (Variation ID: 2199700). An algorithm developed to predict the effect of missense changes on protein structure and function outputs the following: PolyPhen-2: "Benign". The valine amino acid residue is found in multiple mammalian species, which suggests that this missense change does not adversely affect protein function. In summary, the available evidence is currently insufficient to determine the role of this variant in disease. Therefore, it has been classified as a Variant of Uncertain Significance.

Ambry Genetics
Classification: Uncertain significance for Inborn genetic diseases. Last evaluated: 2025-05-31. Review status: criteria provided, single submitter. Criteria: Ambry Variant Classification Scheme 2023. Collection method: clinical testing. Allele origin: germline.
Comment: The p.M582V variant (also known as c.1744A>G), located in coding exon 20 of the RTEL1 gene, results from an A to G substitution at nucleotide position 1744. The methionine at codon 582 is replaced by valine, an amino acid with highly similar properties. This amino acid position is conserved. In addition, this alteration is predicted to be tolerated by in silico analysis. Based on the available evidence, the clinical significance of this variant remains unclear.